The following is an entry in ClinVar:

NM_019108.4(SMG9):c.159C>T (p.Ser53=)

Gene: SMG9 (SMG9 nonsense mediated mRNA decay factor; minus strand). Cytogenetic location: 19q13.31.
Variant type: single nucleotide variant.
Coding change: c.159C>T on transcript NM_019108.4 (MANE Select); coding-DNA position 159, C replaced by T.
Protein change: p.Ser53=; no amino-acid change (serine 53 retained).
Molecular consequence: synonymous variant.
Genome position (GRCh38, 1-based): chr19:43,748,044, G>A on the plus strand (C>T on the coding strand, the complement: SMG9 is on the minus strand). VCF-style: chr19-43748044-G-A. GRCh37 (hg19) VCF-style: chr19-44252196-G-A.
Identifiers: ClinVar variation 727167 (VCV000727167.6), dbSNP rs376394490, ClinGen allele CA9491598.

ClinVar aggregate classification (germline): Benign/Likely benign. Review status: criteria provided, multiple submitters, no conflicts (2 of 4 stars). 3 submissions from 3 submitters: Benign (1); Likely benign (2). Last evaluated 2026-09-01.

Conditions:
SMG9-related disorder. Also called: SMG9-related condition.

Allele frequency attached by ClinVar (database versions not stated): gnomAD exomes 0.00034 and 0.00009; ESP Exome Variant Server 0.00008; gnomAD 0.00011; TOPMed 0.00024; ExAC 0.00030.

Submissions (3):

CeGaT Center for Human Genetics Tuebingen
Classification: Likely benign. Last evaluated: 2026-09-01. Review status: criteria provided, single submitter. Criteria: CeGaT Center For Human Genetics Tuebingen Variant Classification Criteria Version 2. Collection method: clinical testing. Allele origin: germline. Affected: yes. Observed: 2 variant alleles.
Comment: SMG9: BP4, BP7

PreventionGenetics, part of Exact Sciences
Classification: Likely benign for SMG9-related condition. Last evaluated: 2024-12-19. Review status: criteria provided, single submitter. Criteria: ACMG Guidelines, 2015. Collection method: clinical testing. Allele origin: germline.
Comment: This variant is classified as likely benign based on ACMG/AMP sequence variant interpretation guidelines (Richards et al. 2015 PMID: 25741868, with internal and published modifications).

Labcorp Genetics (formerly Invitae), Labcorp
Classification: Benign. Last evaluated: 2018-05-12. Review status: criteria provided, single submitter. Criteria: Invitae Variant Classification Sherloc (09022015). Collection method: clinical testing. Allele origin: germline.